The following is an entry in ClinVar:

NM_194248.3(OTOF):c.3733+2T>C

Gene: OTOF (otoferlin; minus strand). Cytogenetic location: 2p23.3.
Variant type: single nucleotide variant.
Coding change: c.3733+2T>C on transcript NM_194248.3 (MANE Select); the canonical splice donor site of the intron after coding-DNA position 3733, T replaced by C.
Molecular consequence: splice donor variant.
Genome position (GRCh38, 1-based): chr2:26,473,130, A>G on the plus strand (T>C on the coding strand, the complement: OTOF is on the minus strand). VCF-style: chr2-26473130-A-G. GRCh37 (hg19) VCF-style: chr2-26695998-A-G.
Other names: c.3733+2T>C (NM_001287489.2); c.1492+2T>C (NM_194323.3, NM_004802.4); c.1663+2T>C (NM_194322.3).
Identifiers: ClinVar variation 4879906 (VCV004879906.1).

ClinVar aggregate classification (germline): Pathogenic (0 of 4 stars; one submission).

Conditions:
Autosomal recessive nonsyndromic hearing loss 9. Also called: NEUROSENSORY NONSYNDROMIC RECESSIVE DEAFNESS 9; OTOF-Related Hearing Loss; Deafness, autosomal recessive 9; AUDITORY NEUROPATHY, AUTOSOMAL RECESSIVE, 1, TEMPERATURE-SENSITIVE. Identifiers: Orphanet 90636, MedGen C1832828, MONDO:0010986, OMIM 601071.

Submission:

Diagnosis and Treatment Center of Genetic Hearing Loss, Eye & ENT Hospital of Fudan University
Classification: Pathogenic for Autosomal recessive nonsyndromic hearing loss 9. Last evaluated: 2026-02-04. Review status: no assertion criteria provided. Collection method: clinical testing. Allele origin: germline. Inheritance: Autosomal recessive inheritance. Affected: yes.
Comment: The c.3733+2T>C splice donor variant in OTOF is predicted to disrupt splicing (PVS1). It is absent from population databases (PM2_Supporting). It was found in trans with pathogenic c.5816G>A (PM3).